The following is an entry in ClinVar:

ClinVar aggregate classification (germline): Likely pathogenic (1 of 4 stars; one submission).

Conditions:
Primary ciliary dyskinesia 5. Also called: CILIARY DYSKINESIA, PRIMARY, 5, WITHOUT SITUS INVERSUS. Identifiers: Orphanet 244, MedGen C1837615, MONDO:0012088, OMIM 608647.

Submission:

Royal Brompton Clinical Genetics And Genomics Laboratory, NHS South East Genomic Laboratory Hub
Classification: Likely pathogenic for Primary ciliary dyskinesia 5. Last evaluated: 2024-03-06. Review status: criteria provided, single submitter. Criteria: RBHT-CGGL ClinVar Assertion Criteria. Collection method: clinical testing. Allele origin: germline. Affected: yes. Observed: 1 variant allele.
Comment: 2 siblings Compound heterozygous with likely pathogenic NM_001270974.2:c.2376+752_2529+9004del

NM_001270974.2(HYDIN):c.1095del (p.Phe365fs)

Gene: HYDIN (HYDIN axonemal central pair apparatus protein; minus strand). Cytogenetic location: 16q22.2.
Variant type: Deletion.
Coding change: c.1095del on transcript NM_001270974.2 (MANE Select); coding-DNA position 1095, one base deleted (T; older notation c.1095delT).
Protein change: p.Phe365fs; shifts the reading frame from phenylalanine 365.
Molecular consequence: frameshift variant.
Genome position (GRCh38, 1-based): chr16:71,129,772, A deleted on the plus strand (T on the coding strand, the reverse complement: HYDIN is on the minus strand); the first of 6 consecutive A bases (chr16:71,129,772-71,129,777); deleting any one gives the same sequence. VCF-style (leftmost placement, unchanged base first): chr16-71129771-CA-C. GRCh37 (hg19) VCF-style: chr16-71163674-CA-C.
Other names: c.1176del, p.Phe392fs (NM_001198542.1); c.1146del, p.Phe382fs (NM_001198543.1); c.1095del, p.Phe365fs (NM_017558.5); short protein forms F365fs, F382fs, F392fs.
Identifiers: ClinVar variation 3027479 (VCV003027479.1), dbSNP rs766668548, ClinGen allele CA2634125972.